The following is an entry in ClinVar:

NM_024312.5(GNPTAB):c.1905_1908del (p.Glu637fs)

Gene: GNPTAB (N-acetylglucosamine-1-phosphate transferase subunits alpha and beta; minus strand). Cytogenetic location: 12q23.2.
Variant type: Deletion.
Coding change: c.1905_1908del on transcript NM_024312.5 (MANE Select); coding-DNA positions 1905 to 1908, 4 bases deleted (AAGG; older notation c.1905_1908delAAGG).
Protein change: p.Glu637fs; shifts the reading frame from glutamic acid 637.
Molecular consequence: frameshift variant.
Genome position (GRCh38, 1-based): chr12:101,765,009-101,765,012, CCTT deleted on the plus strand (AAGG on the coding strand, the reverse complement: GNPTAB is on the minus strand). VCF-style (leftmost placement, unchanged base first): chr12-101765008-CCCTT-C. GRCh37 (hg19) VCF-style: chr12-102158786-CCCTT-C.
Other names: c.1905_1908delAAGG (NM_024312.5, NM_024312.4); short protein forms E637fs.
Identifiers: ClinVar variation 856935 (VCV000856935.11), dbSNP rs1441014377, ClinGen allele CA501044.

ClinVar aggregate classification (germline): Pathogenic. Review status: criteria provided, multiple submitters, no conflicts (2 of 4 stars). 2 submissions from 2 submitters: Pathogenic (2). Last evaluated 2024-08-20.

Conditions:
Mucolipidosis type II. Also called: Mucolipidosis II Alpha/Beta; ML II ALPHA/BETA; Mucolipidosis 2; ML 2; Inclusion cell disease; Leroy Disease. Identifiers: Orphanet 576, MedGen C2673377, MONDO:0009650, OMIM 252500.
Pseudo-Hurler polydystrophy. Also called: MUCOLIPIDOSIS IIIA; ML III; ML III ALPHA/BETA; Type III Mucolipidosis; Mucolipidosis III Alpha/Beta; ML IIIA. Identifiers: Orphanet 423461, Orphanet 577, MedGen C0033788, MONDO:0018931, OMIM 252600.

Allele frequency attached by ClinVar (database versions not stated): gnomAD exomes below 0.00001.

Submissions (2):

Natera, Inc.
Classification: Pathogenic for Mucolipidosis type II. Last evaluated: 2024-08-20. Review status: criteria provided, single submitter. Criteria: Natera Variant Classification Schema (03/2026). Collection method: clinical testing. Allele origin: germline.
Comment: The c.1905_1908delAAGG variant in GNPTAB is a frameshift variant predicted to shift the reading frame beginning at codon 637 and leads to a stop codon 4 codons downstream. This variant is expected to result in nonsense mediated decay, truncation, or a dysfunctional protein product. This variant is rare in the general population with a frequency below the threshold expected for the associated phenotype(s). This variant has been observed in one or more individuals affected with the associated recessive disease, as either homozygous or compound heterozygous with a second variant (PMID: 28396763, 32651481). Given the available evidence, this variant is classified as Pathogenic.

Labcorp Genetics (formerly Invitae), Labcorp
Classification: Pathogenic for Pseudo-Hurler polydystrophy; Mucolipidosis type II. Last evaluated: 2023-04-07. Review status: criteria provided, single submitter. Criteria: Invitae Variant Classification Sherloc (09022015). Collection method: clinical testing. Allele origin: germline.
Comment: This variant is present in population databases (no rsID available, gnomAD 0.006%). This sequence change creates a premature translational stop signal (p.Glu637Aspfs*4) in the GNPTAB gene. It is expected to result in an absent or disrupted protein product. Loss-of-function variants in GNPTAB are known to be pathogenic (PMID: 19617216, 25107912). This premature translational stop signal has been observed in individual(s) with a GNPTAB-related condition (PMID: 28396763). For these reasons, this variant has been classified as Pathogenic. ClinVar contains an entry for this variant (Variation ID: 856935).

Literature cited by the submitters: PubMed 28396763 (cited by Natera, Inc. and Labcorp Genetics (formerly Invitae), Labcorp); PubMed 32651481 (cited by Natera, Inc.); PubMed 19617216 (cited by Labcorp Genetics (formerly Invitae), Labcorp); PubMed 25107912 (cited by Labcorp Genetics (formerly Invitae), Labcorp).